The following is an entry in ClinVar:

ClinVar aggregate classification (germline): Conflicting classifications of pathogenicity. Review status: criteria provided, conflicting classifications (1 of 4 stars). 2 submissions from 2 submitters: Uncertain significance (1); Likely benign (1). Last evaluated 2025-08-03.

Conditions:
Inborn genetic diseases. Identifiers: MedGen C0950123, MeSH D030342.

Allele frequency attached by ClinVar (database versions not stated): TOPMed 0.00001; gnomAD exomes 0.00002; ExAC 0.00003.
gnomAD v4.1: 24 of 1,607,208 alleles (0.0015%); highest among the groups gnomAD compares: Non-Finnish European, 0.0017%; no homozygotes.

Submissions (2):

Ambry Genetics
Classification: Uncertain significance for Inborn genetic diseases. Last evaluated: 2025-08-03. Review status: criteria provided, single submitter. Criteria: Ambry Variant Classification Scheme 2023. Collection method: clinical testing. Allele origin: germline.

CeGaT Center for Human Genetics Tuebingen
Classification: Likely benign. Last evaluated: 2023-12-01. Review status: criteria provided, single submitter. Criteria: CeGaT Center For Human Genetics Tuebingen Variant Classification Criteria Version 2. Collection method: clinical testing. Allele origin: germline. Affected: yes. Observed: 1 variant allele.
Comment: ANO3: BP4

NM_031418.4(ANO3):c.2566C>T (p.Pro856Ser)

Gene: ANO3 (anoctamin 3; plus strand). Cytogenetic location: 11p14.2.
Variant type: single nucleotide variant.
Coding change: c.2566C>T on transcript NM_031418.4 (MANE Select); coding-DNA position 2566, C replaced by T.
Protein change: p.Pro856Ser; replaces proline 856 with serine.
Molecular consequence: missense variant.
Genome position (GRCh38, 1-based): chr11:26,647,846, C>T. VCF-style: chr11-26647846-C-T. GRCh37 (hg19) VCF-style: chr11-26669393-C-T.
Other names: c.2566C>T (NM_031418.2); c.2749C>T, p.Pro917Ser (NM_001313726.2); c.2128C>T, p.Pro710Ser (NM_001313727.2); short protein forms P710S, P856S, P917S.
Identifiers: ClinVar variation 3026550 (VCV003026550.23), dbSNP rs758947665, ClinGen allele CA5926547.